The following is an entry in ClinVar:

NM_080680.3(COL11A2):c.109G>T (p.Ala37Ser)

Gene: COL11A2 (collagen type XI alpha 2 chain; minus strand). Cytogenetic location: 6p21.32.
Variant type: single nucleotide variant.
Coding change: c.109G>T on transcript NM_080680.3 (MANE Select); coding-DNA position 109, G replaced by T.
Protein change: p.Ala37Ser; replaces alanine 37 with serine.
Molecular consequence: missense variant.
Genome position (GRCh38, 1-based): chr6:33,189,443, C>A on the plus strand (G>T on the coding strand, the complement: COL11A2 is on the minus strand). VCF-style: chr6-33189443-C-A. GRCh37 (hg19) VCF-style: chr6-33157220-C-A.
Other names: c.109G>T, p.Ala37Ser (NM_001163771.2, NM_080679.3, NM_080681.3); short protein forms A37S.
Identifiers: ClinVar variation 160366 (VCV000160366.5), dbSNP rs606231410, ClinGen allele CA212610.

ClinVar aggregate classification (germline): Pathogenic. Review status: criteria provided, single submitter (1 of 4 stars). 3 submissions from 3 submitters: Pathogenic (1). 2 of the submissions do not count toward it. Last evaluated 2023-08-04.

Conditions:
Nonsyndromic Deafness. Also called: Nonsyndromic hearing loss; Non-syndromic hearing loss. Identifiers: MedGen C3711374, MeSH C580334.
Autosomal recessive nonsyndromic hearing loss 53. Identifiers: Orphanet 90636, MedGen C1864746, MONDO:0012333, OMIM 609706.

Submissions (3):

Labcorp Genetics (formerly Invitae), Labcorp
Classification: Pathogenic. Last evaluated: 2023-08-04. Review status: criteria provided, single submitter. Criteria: Invitae Variant Classification Sherloc (09022015). Collection method: clinical testing. Allele origin: germline.
Comment: For these reasons, this variant has been classified as Pathogenic. Advanced modeling of protein sequence and biophysical properties (such as structural, functional, and spatial information, amino acid conservation, physicochemical variation, residue mobility, and thermodynamic stability) performed at Invitae indicates that this missense variant is not expected to disrupt COL11A2 protein function. ClinVar contains an entry for this variant (Variation ID: 160366). This missense change has been observed in individual(s) with autosomal recessive deafness (PMID: 25633957). It has also been observed to segregate with disease in related individuals. This variant is not present in population databases (gnomAD no frequency). This sequence change replaces alanine, which is neutral and non-polar, with serine, which is neutral and polar, at codon 37 of the COL11A2 protein (p.Ala37Ser).

OMIM
Classification: Pathogenic for DEAFNESS, AUTOSOMAL RECESSIVE 53. Last evaluated: 2015-01-30. Review status: no assertion criteria provided. Collection method: literature only. Allele origin: germline. Not counted in ClinVar's aggregate classification.

Centre de Biotechnologie de Sfax, Université de Sfax
Classification: Pathogenic for Nonsyndromic Deafness. Last evaluated: 2014-04-01. Review status: no assertion criteria provided. Collection method: research. Allele origin: inherited. Affected: yes. Observed: 13 variant alleles. Not counted in ClinVar's aggregate classification.

Literature cited by the submitters: PubMed 25633957 (cited by 3 submitters).